The following is an entry in ClinVar:

ClinVar aggregate classification (germline): Likely benign. Review status: criteria provided, multiple submitters, no conflicts (2 of 4 stars). 4 submissions from 4 submitters: Likely benign (3). 1 of the submissions does not count toward it. Last evaluated 2025-12-31.

Conditions:
Cardiovascular phenotype. Identifiers: MedGen CN230736.
Autosomal recessive limb-girdle muscular dystrophy type 2J (LGMDR10). Also called: Limb-girdle muscular dystrophy, type 2J; MUSCULAR DYSTROPHY, LIMB-GIRDLE, AUTOSOMAL RECESSIVE 10. Identifiers: Orphanet 140922, MedGen C1837342, MONDO:0012127, OMIM 608807.
Dilated cardiomyopathy 1G (CMD1G). Identifiers: Orphanet 154, MedGen C1858763, MONDO:0011400, OMIM 604145.
Hypertrophic cardiomyopathy 9. Also called: Familial hypertrophic cardiomyopathy 9. Identifiers: MedGen C1861065, MONDO:0013412, OMIM 613765.
Tibial muscular dystrophy (TMD). Also called: Tibial muscular dystrophy, tardive; UDD MYOPATHY; Udd Distal Myopathy – Tibial Muscular Dystrophy. Identifiers: Orphanet 609, MedGen C1838244, MONDO:0010870, OMIM 600334.
Myopathy, myofibrillar, 9, with early respiratory failure (MFM9). Also called: Hereditary myopathy with early respiratory failure; MYOPATHY, PROXIMAL, WITH EARLY RESPIRATORY MUSCLE INVOLVEMENT; EDSTROM MYOPATHY; Myopathy, distal, with early respiratory failure, autosomal dominant. Identifiers: Orphanet 178464, Orphanet 34521, MedGen C1863599, MONDO:0011362, OMIM 603689.
Early-onset myopathy with fatal cardiomyopathy (CMYO5). Also called: Salih Myopathy; CONGENITAL MYOPATHY 5 WITH CARDIOMYOPATHY. Identifiers: Orphanet 289377, MedGen C2673677, MONDO:0012714, OMIM 611705. Disease mechanism: loss of function.
TTN-related disorder. Also called: TTN-related disorders; TTN-related condition; TTN-related disease.

Allele frequency attached by ClinVar (database versions not stated): gnomAD 0.00001; gnomAD exomes 0.00002; TOPMed 0.00002.
gnomAD v4.1: 10 of 1,613,174 alleles (0.00062%); highest among the groups gnomAD compares: Admixed American, 0.0033%; no homozygotes.

Submissions (4):

Labcorp Genetics (formerly Invitae), Labcorp
Classification: Likely benign for Dilated cardiomyopathy 1G; Autosomal recessive limb-girdle muscular dystrophy type 2J. Last evaluated: 2025-12-31. Review status: criteria provided, single submitter. Criteria: Invitae Variant Classification Sherloc (09022015). Collection method: clinical testing. Allele origin: germline.

Fulgent Genetics
Classification: Likely benign for Tibial muscular dystrophy; Myopathy, myofibrillar, 9, with early respiratory failure; Dilated cardiomyopathy 1G; Autosomal recessive limb-girdle muscular dystrophy type 2J; Early-onset myopathy with fatal cardiomyopathy; Hypertrophic cardiomyopathy 9. Last evaluated: 2021-10-07. Review status: criteria provided, single submitter. Criteria: ACMG Guidelines, 2015. Collection method: clinical testing. Allele origin: unknown.

Ambry Genetics
Classification: Likely benign for Cardiovascular phenotype. Last evaluated: 2021-03-23. Review status: criteria provided, single submitter. Criteria: Ambry Variant Classification Scheme 2023. Collection method: clinical testing. Allele origin: germline.

PreventionGenetics, part of Exact Sciences
Classification: Likely benign for TTN-related condition. Last evaluated: 2019-11-21. Review status: no assertion criteria provided. Collection method: clinical testing. Allele origin: germline. Not counted in ClinVar's aggregate classification.
Comment: This variant is classified as likely benign based on ACMG/AMP sequence variant interpretation guidelines (Richards et al. 2015 PMID: 25741868, with internal and published modifications).

NM_001267550.2(TTN):c.60195C>A (p.Ile20065=)

Genes: TTN (titin; minus strand), TTN-AS1 (TTN antisense RNA 1; plus strand), LOC126806424 (CDK7 strongly-dependent group 2 enhancer GRCh37_chr2:179456337-179457536; plus strand). Cytogenetic location: 2q31.2.
Variant type: single nucleotide variant.
Coding change: c.60195C>A on transcript NM_001267550.2 (MANE Select); coding-DNA position 60195, C replaced by A.
Protein change: p.Ile20065=; no amino-acid change (isoleucine 20065 retained).
Molecular consequence: synonymous variant.
Genome position (GRCh38, 1-based): chr2:178,591,624, G>T on the plus strand (C>A on the coding strand, the complement: TTN is on the minus strand). VCF-style: chr2-178591624-G-T. GRCh37 (hg19) VCF-style: chr2-179456351-G-T.
Other names: c.55272C>A, p.Ile18424= (NM_001256850.1); c.33000C>A, p.Ile11000= (NM_003319.4); c.52491C>A, p.Ile17497= (NM_133378.4); c.33375C>A, p.Ile11125= (NM_133432.3); c.33576C>A, p.Ile11192= (NM_133437.4).
Identifiers: ClinVar variation 699534 (VCV000699534.15), dbSNP rs990501984, ClinGen allele CA60970075.